The following is an entry in ClinVar:

NM_004667.6(HERC2):c.1179G>A (p.Ala393=)

Gene: HERC2 (HECT and RLD domain containing E3 ubiquitin protein ligase 2; minus strand). Cytogenetic location: 15q13.1.
Variant type: single nucleotide variant.
Coding change: c.1179G>A on transcript NM_004667.6 (MANE Select); coding-DNA position 1179, G replaced by A.
Protein change: p.Ala393=; no amino-acid change (alanine 393 retained).
Molecular consequence: synonymous variant.
Genome position (GRCh38, 1-based): chr15:28,270,773, C>T on the plus strand (G>A on the coding strand, the complement: HERC2 is on the minus strand). VCF-style: chr15-28270773-C-T. GRCh37 (hg19) VCF-style: chr15-28515919-C-T.
Identifiers: ClinVar variation 4821819 (VCV004821819.4).

ClinVar aggregate classification (germline): Likely benign (1 of 4 stars; one submission).

gnomAD v4.1: 239 of 1,613,918 alleles (0.015%); highest among the groups gnomAD compares: Middle Eastern, 0.033%; no homozygotes.

Submission:

CeGaT Center for Human Genetics Tuebingen
Classification: Likely benign. Last evaluated: 2026-02-01. Review status: criteria provided, single submitter. Criteria: CeGaT Center For Human Genetics Tuebingen Variant Classification Criteria Version 2. Collection method: clinical testing. Allele origin: germline. Affected: yes. Observed: 1 variant allele.
Comment: HERC2: BP4, BP7